The following is an entry in ClinVar:

NM_001271.4(CHD2):c.2877C>T (p.Asn959=)

Genes: CHD2 (chromodomain helicase DNA binding protein 2; plus strand), LOC126862230 (P300/CBP strongly-dependent group 1 enhancer GRCh37_chr15:93523977-93525176; plus strand). Cytogenetic location: 15q26.1.
Variant type: single nucleotide variant.
Coding change: c.2877C>T on transcript NM_001271.4 (MANE Select); coding-DNA position 2877, C replaced by T.
Protein change: p.Asn959=; no amino-acid change (asparagine 959 retained).
Molecular consequence: synonymous variant.
Genome position (GRCh38, 1-based): chr15:92,980,815, C>T. VCF-style: chr15-92980815-C-T. GRCh37 (hg19) VCF-style: chr15-93524045-C-T.
Identifiers: ClinVar variation 2858402 (VCV002858402.3), dbSNP rs780541496, ClinGen allele CA7748096.

ClinVar aggregate classification (germline): Uncertain significance (1 of 4 stars; one submission).

Conditions:
Developmental and epileptic encephalopathy 94 (DEE94). Also called: CHD2-Related Neurodevelopmental Disorders; Epileptic encephalopathy, childhood-onset. Identifiers: Orphanet 1942, Orphanet 2382, MedGen C3809278, MONDO:0014150, OMIM 615369.

Allele frequency attached by ClinVar (database versions not stated): TOPMed below 0.00001; gnomAD 0.00001; ExAC 0.00002.
gnomAD v4.1: 33 of 1,610,976 alleles (0.002%); highest among the groups gnomAD compares: Non-Finnish European, 0.0027%; no homozygotes.

Submission:

Labcorp Genetics (formerly Invitae), Labcorp
Classification: Uncertain significance for Developmental and epileptic encephalopathy 94. Last evaluated: 2025-09-23. Review status: criteria provided, single submitter. Criteria: Invitae Variant Classification Sherloc (09022015). Collection method: clinical testing. Allele origin: germline.
Comment: This sequence change affects codon 959 of the CHD2 mRNA. It is a 'silent' change, meaning that it does not change the encoded amino acid sequence of the CHD2 protein. It affects a nucleotide within the consensus splice site. This variant is present in population databases (rs780541496, gnomAD 0.002%). This variant has not been reported in the literature in individuals affected with CHD2-related conditions. ClinVar contains an entry for this variant (Variation ID: 2858402). Algorithms developed to predict the effect of sequence changes on RNA splicing suggest that this variant is not likely to affect RNA splicing. In summary, the available evidence is currently insufficient to determine the role of this variant in disease. Therefore, it has been classified as a Variant of Uncertain Significance.